The following is an entry in ClinVar:

ClinVar aggregate classification (germline): Pathogenic (1 of 4 stars; one submission).

Conditions:
Joubert syndrome. Also called: Familial aplasia of the vermis; CEREBELLOPARENCHYMAL DISORDER IV; JOUBERT-BOLTSHAUSER SYNDROME. Identifiers: Orphanet 475, MedGen C5979921, MONDO:0018772.
Meckel-Gruber syndrome. Also called: Dysencephalia splachnocystica; DYSENCEPHALIA SPLANCHNOCYSTICA; GRUBER SYNDROME. Identifiers: Orphanet 564, MedGen C0265215, MONDO:0018921.

Allele frequency attached by ClinVar (database versions not stated): gnomAD exomes below 0.00001; TOPMed below 0.00001.
gnomAD v4.1: 1 of 1,587,048 alleles (0.000063%); highest among the groups gnomAD compares: Non-Finnish European, 0.000086%; no homozygotes.

Submission:

Labcorp Genetics (formerly Invitae), Labcorp
Classification: Pathogenic for Joubert syndrome; Meckel-Gruber syndrome. Last evaluated: 2023-07-13. Review status: criteria provided, single submitter. Criteria: Invitae Variant Classification Sherloc (09022015). Collection method: clinical testing. Allele origin: germline.
Comment: Algorithms developed to predict the effect of sequence changes on RNA splicing suggest that this variant may disrupt the consensus splice site. For these reasons, this variant has been classified as Pathogenic. ClinVar contains an entry for this variant (Variation ID: 1070105). This variant has not been reported in the literature in individuals affected with RPGRIP1L-related conditions. This variant is not present in population databases (gnomAD no frequency). This sequence change creates a premature translational stop signal (p.Glu418*) in the RPGRIP1L gene. It is expected to result in an absent or disrupted protein product. Loss-of-function variants in RPGRIP1L are known to be pathogenic (PMID: 17558409).

Literature cited by the submitters: PubMed 17558409.

NM_015272.5(RPGRIP1L):c.1252G>T (p.Glu418Ter)

Gene: RPGRIP1L (RPGRIP1 like; minus strand). Cytogenetic location: 16q12.2.
Variant type: single nucleotide variant.
Coding change: c.1252G>T on transcript NM_015272.5 (MANE Select); coding-DNA position 1252, G replaced by T.
Protein change: p.Glu418Ter; replaces glutamic acid 418 with a stop codon.
Molecular consequence: nonsense.
Genome position (GRCh38, 1-based): chr16:53,658,870, C>A on the plus strand (G>T on the coding strand, the complement: RPGRIP1L is on the minus strand). VCF-style: chr16-53658870-C-A. GRCh37 (hg19) VCF-style: chr16-53692782-C-A.
Other names: c.1252G>T, p.Glu418Ter (NM_001127897.4, NM_001308334.3, NM_001330538.2); short protein forms E418*.
Identifiers: ClinVar variation 1070105 (VCV001070105.7), dbSNP rs1967512180, ClinGen allele CA395920590.
Genomic context (GRCh38, chr16:53,658,870, plus strand): 5'-GTTGTTGCTTTTGTTCCAGATACTGTAACTGTAGTTCTCTATTCTCTTGAACGAGTTTTT[C>A]ATTTTGATCTTAAAAATAAAGTCCACACAATTGGAAAGGTAAGTAAAAATCAGGTTTAAG-3'